The following is an entry in ClinVar:

ClinVar aggregate classification (germline): Benign/Likely benign. Review status: criteria provided, multiple submitters, no conflicts (2 of 4 stars). 9 submissions from 9 submitters: Benign (4); Likely benign (4). 1 of the submissions does not count toward it. Last evaluated 2026-05-01.

Conditions:
Inborn genetic diseases. Identifiers: MedGen C0950123, MeSH D030342.
Charcot-Marie-Tooth disease. Also called: Charcot-Marie-Tooth Hereditary Neuropathy; Charcot-Marie-Tooth Neuropathy. Identifiers: Orphanet 166, MedGen C0007959, MONDO:0015626.
Charcot-Marie-Tooth disease type 1C. Also called: CHARCOT-MARIE-TOOTH NEUROPATHY, TYPE 1C; NEUROPATHY, HEREDITARY MOTOR AND SENSORY, TYPE IC; Charcot-Marie-Tooth disease, type IC; CHARCOT-MARIE-TOOTH DISEASE, DEMYELINATING, TYPE 1C; CMT, SLOW NERVE CONDUCTION TYPE C; HMSN IC. Identifiers: Orphanet 101083, MedGen C0270913, MONDO:0010995, OMIM 601098.

Allele frequency attached by ClinVar (database versions not stated): gnomAD 0.00063 and 0.00062; TOPMed 0.00076; gnomAD exomes 0.00088; ExAC 0.00092; 1000 Genomes Project 30x 0.00016; 1000 Genomes Project 0.00020; ESP Exome Variant Server 0.00054.
gnomAD v4.1: 1,481 of 1,614,178 alleles (0.092%); highest among the groups gnomAD compares: East Asian, 0.11%; 6 homozygotes.

Submissions (9):

CeGaT Center for Human Genetics Tuebingen
Classification: Likely benign. Last evaluated: 2026-05-01. Review status: criteria provided, single submitter. Criteria: CeGaT Center For Human Genetics Tuebingen Variant Classification Criteria Version 2. Collection method: clinical testing. Allele origin: germline. Affected: yes. Observed: 2 variant alleles.
Comment: LITAF: BP4, BP7

Labcorp Genetics (formerly Invitae), Labcorp
Classification: Likely benign for Charcot-Marie-Tooth disease type 1C. Last evaluated: 2026-01-13. Review status: criteria provided, single submitter. Criteria: Invitae Variant Classification Sherloc (09022015). Collection method: clinical testing. Allele origin: germline.

Athena Diagnostics
Classification: Benign. Last evaluated: 2025-11-07. Review status: criteria provided, single submitter. Criteria: Athena Diagnostics Criteria. Collection method: clinical testing. Allele origin: unknown.
Comment: The frequency of this variant in the general population is higher than would generally be expected for pathogenic variants in this gene. Computational tools yielded predictions that this variant is unlikely to have an effect on normal RNA splicing. This nucleotide position exhibits low evolutionary conservation. This variant has been seen where an alternate explanation for disease was also identified.

Blueprint Genetics
Classification: Likely benign. Last evaluated: 2024-08-29. Review status: criteria provided, single submitter. Criteria: ACMG Guidelines, 2015. Collection method: clinical testing. Allele origin: germline.

Mayo Clinic Laboratories, Mayo Clinic
Classification: Benign. Last evaluated: 2024-04-30. Review status: criteria provided, single submitter. Criteria: ACMG Guidelines, 2015. Collection method: clinical testing. Allele origin: germline. Observed: 4 variant alleles.
Comment: BS1, BS2, BP4, BP7

GeneDx
Classification: Benign. Last evaluated: 2020-09-14. Review status: criteria provided, single submitter. Criteria: GeneDx Variant Classification Process June 2021. Collection method: clinical testing. Allele origin: germline. Affected: yes.
Comment: This variant is associated with the following publications: (PMID: 15776429, 19396477)

Ambry Genetics
Classification: Likely benign for Inborn genetic diseases. Last evaluated: 2019-07-11. Review status: criteria provided, single submitter. Criteria: Ambry Variant Classification Scheme 2023. Collection method: clinical testing. Allele origin: germline.

Molecular Genetics Laboratory, London Health Sciences Centre
Classification: Benign for Charcot-Marie-Tooth disease. Review status: criteria provided, single submitter. Criteria: ACMG Guidelines, 2015. Collection method: clinical testing. Allele origin: germline. Affected: yes.

Inherited Neuropathy Consortium
Classification: Uncertain significance. Review status: no assertion criteria provided. Collection method: literature only. Allele origin: germline. Affected: yes. Not counted in ClinVar's aggregate classification.

Literature cited by the submitters: PubMed 19396477 (cited by Athena Diagnostics); PubMed 15776429 (cited by 3 submitters).

NM_001136472.2(LITAF):c.330C>T (p.Asn110=)

Gene: LITAF (lipopolysaccharide induced TNF factor; minus strand). Cytogenetic location: 16p13.13.
Variant type: single nucleotide variant.
Coding change: c.330C>T on transcript NM_001136472.2 (MANE Select); coding-DNA position 330, C replaced by T.
Protein change: p.Asn110=; no amino-acid change (asparagine 110 retained).
Molecular consequence: synonymous variant. On other transcripts: non-coding transcript variant (1).
Genome position (GRCh38, 1-based): chr16:11,553,580, G>A on the plus strand (C>T on the coding strand, the complement: LITAF is on the minus strand). VCF-style: chr16-11553580-G-A. GRCh37 (hg19) VCF-style: chr16-11647436-G-A.
Other names: p.Asn110=; c.330C>T, p.Asn110= (NM_001136473.1, NM_004862.4).
Identifiers: ClinVar variation 219573 (VCV000219573.22), dbSNP rs139116481, ClinGen allele CA350162.